The following is an entry in ClinVar:

NM_020163.3(SEMA3G):c.980C>T (p.Ala327Val)

Gene: SEMA3G (semaphorin 3G; minus strand). Cytogenetic location: 3p21.1.
Variant type: single nucleotide variant.
Coding change: c.980C>T on transcript NM_020163.3 (MANE Select); coding-DNA position 980, C replaced by T.
Protein change: p.Ala327Val; replaces alanine 327 with valine.
Molecular consequence: missense variant.
Genome position (GRCh38, 1-based): chr3:52,440,772, G>A on the plus strand (C>T on the coding strand, the complement: SEMA3G is on the minus strand). VCF-style: chr3-52440772-G-A. GRCh37 (hg19) VCF-style: chr3-52474788-G-A.
Other names: short protein forms A327V.
Identifiers: ClinVar variation 2636121 (VCV002636121.4), dbSNP rs202240389, ClinGen allele CA2438113.
Genomic context (GRCh38, chr3:52,440,772, plus strand): 5'-GACAGGGGCCCATCGCAAGGCCGGGGTGCTGGGTGTGCCCACCTGACGGTGCTGAACAGC[G>A]CGTACACCTCGAGGCTCTTCCCGGCCTTGGGCCACAGCAGGAACACATCCTCTGGGGTAG-3'
Protein context (NP_064548.1, residues 317-337): PKAGKSLEVY[Ala327Val]LFSTVSAVFQ

ClinVar aggregate classification (germline): Uncertain significance (1 of 4 stars; one submission).

Conditions:
SEMA3G-related disorder. Also called: SEMA3G-related condition.

Allele frequency attached by ClinVar (database versions not stated): ESP Exome Variant Server 0.00008; ExAC 0.00015; 1000 Genomes Project 30x 0.00125; 1000 Genomes Project 0.00140.
gnomAD v4.1: 399 of 1,613,106 alleles (0.025%); highest among the groups gnomAD compares: Admixed American, 0.1%; 2 homozygotes.

Submission:

PreventionGenetics, part of Exact Sciences
Classification: Uncertain significance for SEMA3G-related condition. Last evaluated: 2026-07-01. Review status: criteria provided, single submitter. Criteria: ACMG Guidelines, 2015. Collection method: clinical testing. Allele origin: germline.
Comment: The SEMA3G c.980C>T variant is predicted to result in the amino acid substitution p.Ala327Val. To our knowledge, this variant has not been reported in the literature. This variant is reported in 0.045% of alleles in individuals of Latino descent in gnomAD. Although we suspect that this variant may be benign, at this time, the clinical significance of this variant is uncertain due to the absence of conclusive functional and genetic evidence.